The following is an entry in ClinVar:

ClinVar aggregate classification (germline): Uncertain significance (1 of 4 stars; one submission).

Conditions:
Gastrointestinal stromal tumor. Also called: Gastrointestinal stromal tumor, somatic; Gastrointestinal stroma tumor. Identifiers: Orphanet 44890, MedGen C0238198, MeSH D046152, MONDO:0011719, OMIM 606764, HP:0100723.

Allele frequency attached by ClinVar (database versions not stated): gnomAD exomes 0.00001.
gnomAD v4.1: 7 of 1,607,412 alleles (0.00044%); highest among the groups gnomAD compares: Non-Finnish European, 0.0006%; no homozygotes.

Submission:

Labcorp Genetics (formerly Invitae), Labcorp
Classification: Uncertain significance for Gastrointestinal stromal tumor. Last evaluated: 2025-09-01. Review status: criteria provided, single submitter. Criteria: Invitae Variant Classification Sherloc (09022015). Collection method: clinical testing. Allele origin: germline.
Comment: This sequence change replaces glutamic acid, which is acidic and polar, with aspartic acid, which is acidic and polar, at codon 948 of the PDGFRA protein (p.Glu948Asp). This variant is not present in population databases (gnomAD no frequency). This variant has not been reported in the literature in individuals affected with PDGFRA-related conditions. ClinVar contains an entry for this variant (Variation ID: 1007915). Invitae Evidence Modeling of protein sequence and biophysical properties (such as structural, functional, and spatial information, amino acid conservation, physicochemical variation, residue mobility, and thermodynamic stability) indicates that this missense variant is not expected to disrupt PDGFRA protein function with a negative predictive value of 80%. In summary, the available evidence is currently insufficient to determine the role of this variant in disease. Therefore, it has been classified as a Variant of Uncertain Significance.

NM_006206.6(PDGFRA):c.2844G>C (p.Glu948Asp)

Gene: PDGFRA (platelet derived growth factor receptor alpha; plus strand). Cytogenetic location: 4q12.
Variant type: single nucleotide variant.
Coding change: c.2844G>C on transcript NM_006206.6 (MANE Select); coding-DNA position 2844, G replaced by C.
Protein change: p.Glu948Asp; replaces glutamic acid 948 with aspartic acid.
Molecular consequence: missense variant.
Genome position (GRCh38, 1-based): chr4:54,289,078, G>C. VCF-style: chr4-54289078-G-C. GRCh37 (hg19) VCF-style: chr4-55155245-G-C.
Other names: c.2919G>C, p.Glu973Asp (NM_001347828.2); c.2844G>C, p.Glu948Asp (NM_001347829.2); c.2883G>C, p.Glu961Asp (NM_001347830.2); short protein forms E948D, E961D, E973D.
Identifiers: ClinVar variation 1007915 (VCV001007915.16), dbSNP rs1724502571, ClinGen allele CA356895808.